The following is an entry in ClinVar:

NM_000161.3(GCH1):c.*1183C>T

Gene: GCH1 (GTP cyclohydrolase 1; minus strand). Cytogenetic location: 14q22.2.
Variant type: single nucleotide variant.
Coding change: c.*1183C>T on transcript NM_000161.3 (MANE Select); 1183 bases downstream of the stop codon, C replaced by T.
Molecular consequence: 3 prime UTR variant.
Genome position (GRCh38, 1-based): chr14:54,842,834, G>A on the plus strand (C>T on the coding strand, the complement: GCH1 is on the minus strand). VCF-style: chr14-54842834-G-A. GRCh37 (hg19) VCF-style: chr14-55309552-G-A.
Other names: c.*237C>T (NM_001024024.2); c.*233C>T (NM_001024070.2); c.*205C>T (NM_001024071.2).
Identifiers: ClinVar variation 313368 (VCV000313368.8), dbSNP rs76009965, ClinGen allele CA10644311.

ClinVar aggregate classification (germline): Benign. Review status: criteria provided, multiple submitters, no conflicts (2 of 4 stars). 4 submissions from 3 submitters: Benign (4). Last evaluated 2018-07-05.

Conditions:
GTP cyclohydrolase I deficiency. Identifiers: MedGen C0268467, MONDO:0100184.
Dystonia 5 (DRD). Also called: DYSTONIA, PROGRESSIVE, WITH DIURNAL VARIATION; DYSTONIA-PARKINSONISM WITH DIURNAL FLUCTUATION; Dystonia, DOPA-responsive, with or without hyperphenylalaninemia; GTP Cyclohydrolase 1-Deficient Dopa-Responsive Dystonia; DYT-GCH1. Identifiers: Orphanet 98808, MedGen C1851920, MONDO:0007495, OMIM 128230.

Allele frequency attached by ClinVar (database versions not stated): gnomAD exomes 0.00601; gnomAD 0.04927 and 0.05289; 1000 Genomes Project 0.05371; TOPMed 0.05551; 1000 Genomes Project 30x 0.05793.

Submissions (4):

GeneDx
Classification: Benign. Last evaluated: 2018-07-05. Review status: criteria provided, single submitter. Criteria: GeneDx Variant Classification Process June 2021. Collection method: clinical testing. Allele origin: germline. Affected: yes.

Illumina Laboratory Services, Illumina
Classification: Benign for GTP cyclohydrolase I deficiency with hyperphenylalaninemia. Last evaluated: 2018-01-13. Review status: criteria provided, single submitter. Criteria: ICSL Variant Classification Criteria 13 December 2019. Collection method: clinical testing. Allele origin: germline.
Comment: This variant was observed in the ICSL laboratory as part of a predisposition screen in an ostensibly healthy population. It had not been previously curated by ICSL or reported in the Human Gene Mutation Database (HGMD: prior to June 1st, 2018), and was therefore a candidate for classification through an automated scoring system. Utilizing variant allele frequency, disease prevalence and penetrance estimates, and inheritance mode, an automated score was calculated to assess if this variant is too frequent to cause the disease. Based on the score and internal cut-off values, a variant classified as benign is not then subjected to further curation. The score for this variant resulted in a classification of benign for this disease.

Illumina Laboratory Services, Illumina
Classification: Benign for Dystonia 5. Last evaluated: 2018-01-13. Review status: criteria provided, single submitter. Criteria: ICSL Variant Classification Criteria 13 December 2019. Collection method: clinical testing. Allele origin: germline.
Comment: the same text as in the submission from Illumina Laboratory Services, Illumina above.

Breakthrough Genomics
Classification: Benign. Review status: criteria provided, single submitter. Criteria: ACMG Guidelines, 2015. Collection method: not provided. Allele origin: germline. Inheritance: Autosomal recessive inheritance. Affected: yes.